The following is an entry in ClinVar:

ClinVar aggregate classification (germline): Likely benign. Review status: criteria provided, multiple submitters, no conflicts (2 of 4 stars). 2 submissions from 2 submitters: Likely benign (2). Last evaluated 2025-12-09.

Conditions:
Nephronophthisis. Also called: Juvenile Nephronophthisis. Identifiers: Orphanet 655, MedGen C0687120, MONDO:0019005, HP:0000090.

Allele frequency attached by ClinVar (database versions not stated): gnomAD exomes below 0.00001 and 0.00001; TOPMed below 0.00001; gnomAD 0.00001.
gnomAD v4.1: 5 of 1,612,224 alleles (0.00031%); highest among the groups gnomAD compares: East Asian, 0.011%; no homozygotes.

Submissions (2):

Labcorp Genetics (formerly Invitae), Labcorp
Classification: Likely benign for Nephronophthisis. Last evaluated: 2025-12-09. Review status: criteria provided, single submitter. Criteria: Invitae Variant Classification Sherloc (09022015). Collection method: clinical testing. Allele origin: germline.

Mayo Clinic Laboratories, Mayo Clinic
Classification: Likely benign. Last evaluated: 2025-04-02. Review status: criteria provided, single submitter. Criteria: ACMG Guidelines, 2015. Collection method: clinical testing. Allele origin: germline. Observed: 1 variant allele.
Comment: BP4, BP7

NM_001128178.3(NPHP1):c.345T>A (p.Thr115=)

Gene: NPHP1 (nephrocystin 1; minus strand). Cytogenetic location: 2q13.
Variant type: single nucleotide variant.
Coding change: c.345T>A on transcript NM_001128178.3 (MANE Select); coding-DNA position 345, T replaced by A.
Protein change: p.Thr115=; no amino-acid change (threonine 115 retained).
Molecular consequence: synonymous variant.
Genome position (GRCh38, 1-based): chr2:110,169,983, A>T on the plus strand (T>A on the coding strand, the complement: NPHP1 is on the minus strand). VCF-style: chr2-110169983-A-T. GRCh37 (hg19) VCF-style: chr2-110927560-A-T.
Other names: p.Thr115=; c.345T>A, p.Thr115= (NM_000272.5, NM_001374256.1, NM_001374257.1 and 1 more transcripts); c.159T>A, p.Thr53= (NM_001128179.3); c.345T>A (NM_000272.4).
Identifiers: ClinVar variation 1641507 (VCV001641507.9), dbSNP rs998559099, ClinGen allele CA53519093.